The following is an entry in ClinVar:

ClinVar aggregate classification (germline): Likely benign (0 of 4 stars; one submission).

Conditions:
RNPC3-related disorder. Also called: RNPC3-related condition.

Allele frequency attached by ClinVar (database versions not stated): gnomAD exomes 0.00003; ExAC 0.00006; TOPMed 0.00017; gnomAD 0.00021; 1000 Genomes Project 30x 0.00031; 1000 Genomes Project 0.00040.
gnomAD v4.1: 74 of 1,529,348 alleles (0.0048%); highest among the groups gnomAD compares: African/African-American, 0.056%; no homozygotes.

Submission:

PreventionGenetics, part of Exact Sciences
Classification: Likely benign for RNPC3-related condition. Last evaluated: 2019-04-25. Review status: no assertion criteria provided. Collection method: clinical testing. Allele origin: germline.
Comment: This variant is classified as likely benign based on ACMG/AMP sequence variant interpretation guidelines (Richards et al. 2015 PMID: 25741868, with internal and published modifications).

NM_017619.4(RNPC3):c.556-7C>T

Gene: RNPC3 (RNA binding region (RNP1, RRM) containing 3; plus strand). Cytogenetic location: 1p21.1.
Variant type: single nucleotide variant.
Coding change: c.556-7C>T on transcript NM_017619.4 (MANE Select); 7 bases into the intron before coding-DNA position 556, C replaced by T.
Molecular consequence: intron variant.
Genome position (GRCh38, 1-based): chr1:103,536,119, C>T. VCF-style: chr1-103536119-C-T. GRCh37 (hg19) VCF-style: chr1-104078741-C-T.
Identifiers: ClinVar variation 3058769 (VCV003058769.2), dbSNP rs544104212, ClinGen allele CA975672.